The following is an entry in ClinVar:

ClinVar aggregate classification (germline): Uncertain significance (1 of 4 stars; one submission).

Conditions:
Intellectual developmental disorder with hypotonia and behavioral abnormalities. Identifiers: MedGen C5231489, MONDO:0032897, OMIM 618748.

Submission:

Clinical Genomics Laboratory, Washington University in St. Louis
Classification: Uncertain significance for Intellectual developmental disorder with hypotonia and behavioral abnormalities. Last evaluated: 2025-05-04. Review status: criteria provided, single submitter. Criteria: ACMG Guidelines, 2015. Collection method: clinical testing. Allele origin: germline.
Comment: The CDK8 c.575C>T (p.Pro192Leu) variant, to our knowledge, has not been reported in the medical literature and is absent from the general population (gnomAD v.4.1.0), indicating it is not a common variant. This variant is located in the activation segment (Schneider EV et al., PMID: 21806996) immediately adjacent to a known pathogenic variant (p.Val193Gly; Calpena E et al., PMID: 30905399) but computational predictors are uncertain as to the impact of this variant on CDK8 function. Due to limited information, and based on ACMG/AMP guidelines for variant interpretation (Richards S et al., PMID: 25741868), the clinical significance of this variant is uncertain at this time.

NM_001260.3(CDK8):c.575C>T (p.Pro192Leu)

Gene: CDK8 (cyclin dependent kinase 8; plus strand). Cytogenetic location: 13q12.13.
Variant type: single nucleotide variant.
Coding change: c.575C>T on transcript NM_001260.3 (MANE Select); coding-DNA position 575, C replaced by T.
Protein change: p.Pro192Leu; replaces proline 192 with leucine.
Molecular consequence: missense variant.
Genome position (GRCh38, 1-based): chr13:26,385,271, C>T. VCF-style: chr13-26385271-C-T. GRCh37 (hg19) VCF-style: chr13-26959408-C-T.
Other names: c.575C>T, p.Pro192Leu (NM_001318368.2); c.56C>T, p.Pro19Leu (NM_001346501.2); short protein forms P192L, P19L.
Identifiers: ClinVar variation 4279735 (VCV004279735.1).
Genomic context (GRCh38, chr13:26,385,271, plus strand): 5'-CTGACATGGGCTTTGCCCGATTATTTAATTCACCTTTGAAGCCTTTAGCAGATTTGGATC[C>T]AGTGGTTGTTACATTCTGGTACCGAGCCCCTGAACTACTTCTTGGAGCAAGGCATTATAC-3'
Protein context (NP_001251.1, residues 182-202): SPLKPLADLD[Pro192Leu]VVVTFWYRAP